The following continues an entry in ClinVar:

NM_000548.5(TSC2):c.1100G>A (p.Arg367Gln)

Gene: TSC2. ClinVar aggregate classification (germline): Benign. Benign (23).

Submissions 25 to 32 of 32:

Biesecker Lab/Clinical Genomics Section, National Institutes of Health
Classification: Benign. Last evaluated: 2012-07-13. Review status: no assertion criteria provided. Collection method: research. Allele origin: germline. Affected: no. Observed: 22 variant alleles. Study: ClinSeq. Not counted in ClinVar's aggregate classification.
ClinVar note: Converted during submission from no known pathogenicity to Benign.

Clinical Genetics DNA and cytogenetics Diagnostics Lab, Erasmus MC, Erasmus Medical Center
Classification: Benign. Review status: no assertion criteria provided. Collection method: clinical testing. Allele origin: germline. Affected: yes. Study: VKGL Data-share Consensus. Not counted in ClinVar's aggregate classification.

Clinical Genetics, Academic Medical Center
Classification: Benign. Review status: no assertion criteria provided. Collection method: clinical testing. Allele origin: germline. Affected: yes. Study: VKGL Data-share Consensus. Not counted in ClinVar's aggregate classification.

Diagnostic Laboratory, Department of Genetics, University Medical Center Groningen
Classification: Benign. Review status: no assertion criteria provided. Collection method: clinical testing. Allele origin: germline. Affected: yes. Study: VKGL Data-share Consensus. Not counted in ClinVar's aggregate classification.

Genome Diagnostics Laboratory, Amsterdam University Medical Center
Classification: Benign. Review status: no assertion criteria provided. Collection method: clinical testing. Allele origin: germline. Affected: yes. Study: VKGL Data-share Consensus. Not counted in ClinVar's aggregate classification.

Genome Diagnostics Laboratory, University Medical Center Utrecht
Classification: Likely benign. Review status: no assertion criteria provided. Collection method: clinical testing. Allele origin: germline. Affected: yes. Study: VKGL Data-share Consensus. Not counted in ClinVar's aggregate classification.

Laboratory of Diagnostic Genome Analysis, Leiden University Medical Center (LUMC)
Classification: Likely benign. Review status: no assertion criteria provided. Collection method: clinical testing. Allele origin: germline. Affected: yes. Study: VKGL Data-share Consensus. Not counted in ClinVar's aggregate classification.

Tuberous sclerosis database (TSC2)
No classification provided. Condition: TSC. Review status: no classification provided. Criteria: Tuberous Sclerosis Database Assertion Criteria 2015. Collection method: curation. Allele origin: germline. Affected: yes. Not counted in ClinVar's aggregate classification.

Literature cited by the submitters: PubMed 15595939 (cited by 3 submitters); PubMed 24728327 (cited by 5 submitters); PubMed 19254590 (cited by 3 submitters); PubMed 27884173 (cited by Quest Diagnostics Nichols Institute San Juan Capistrano and Athena Diagnostics); PubMed 17304050 (cited by 3 submitters); PubMed 10205261 (cited by Quest Diagnostics Nichols Institute San Juan Capistrano and Athena Diagnostics); PubMed 22995991 (cited by 3 submitters); PubMed 11741833 (cited by 3 submitters); PubMed 21309039 (cited by Quest Diagnostics Nichols Institute San Juan Capistrano and Athena Diagnostics); PubMed 28087349 (cited by Quest Diagnostics Nichols Institute San Juan Capistrano and Athena Diagnostics); PubMed 15483652 (cited by 4 submitters); PubMed 25281918 (cited by 3 submitters); PubMed 12136241 (cited by Quest Diagnostics Nichols Institute San Juan Capistrano and Athena Diagnostics); PubMed 12111193 (cited by Quest Diagnostics Nichols Institute San Juan Capistrano and Athena Diagnostics).